The following is an entry in ClinVar:

NM_018979.4(WNK1):c.1951+209A>T

Gene: WNK1 (WNK lysine deficient protein kinase 1; plus strand). Cytogenetic location: 12p13.33.
Variant type: single nucleotide variant.
Coding change: c.1951+209A>T on transcript NM_018979.4 (MANE Select); 209 bases into the intron after coding-DNA position 1951, A replaced by T.
Molecular consequence: intron variant.
Genome position (GRCh38, 1-based): chr12:861,552, A>T. VCF-style: chr12-861552-A-T. GRCh37 (hg19) VCF-style: chr12-970718-A-T.
Other names: NC_000012.11:g.970718A>T; c.1951+209A>T (NM_213655.5, NM_001184985.2, NM_014823.3).
Identifiers: ClinVar variation 670306 (VCV000670306.2), dbSNP rs11064575, ClinGen allele CA13771526.

ClinVar aggregate classification (germline): Benign (1 of 4 stars; one submission).

Allele frequency attached by ClinVar (database versions not stated): gnomAD 0.41255 and 0.42202; TOPMed 0.41558; 1000 Genomes Project 30x 0.45284; 1000 Genomes Project 0.46386.
gnomAD v4.1: 64,221 of 152,012 alleles (42%); highest among the groups gnomAD compares: East Asian, 81%; 15,182 homozygotes.

Submissions (2):

GeneDx
Classification: Benign. Last evaluated: 2018-06-14. Review status: criteria provided, single submitter. Criteria: GeneDx Variant Classification (06012015). Collection method: clinical testing. Allele origin: germline. Affected: yes.
Comment: This variant is considered likely benign or benign based on one or more of the following criteria: it is a conservative change, it occurs at a poorly conserved position in the protein, it is predicted to be benign by multiple in silico algorithms, and/or has population frequency not consistent with disease.

Dr. Peter K. Rogan Lab, Western University
No classification provided (evidence only). Condition: Familial cancer of breast. Review status: no classification provided. Collection method: in vitro. Allele origin: not applicable. Functional consequence: retained intron. Not counted in ClinVar's aggregate classification.